The following is an entry in ClinVar:

NM_000051.4(ATM):c.4844_4847delinsGGG (p.Lys1615fs)

Gene: ATM (ATM serine/threonine kinase; plus strand). Cytogenetic location: 11q22.3.
Variant type: Indel.
Coding change: c.4844_4847delinsGGG on transcript NM_000051.4 (MANE Select); coding-DNA positions 4844 to 4847, AGGA replaced by GGG.
Protein change: p.Lys1615fs; shifts the reading frame from lysine 1615.
Molecular consequence: frameshift variant.
Genome position (GRCh38, 1-based): chr11:108,294,994-108,294,997, AGGA replaced by GGG. VCF-style: chr11-108294994-AGGA-GGG. GRCh37 (hg19) VCF-style: chr11-108165721-AGGA-GGG.
Other names: c.4844_4847delinsGGG, p.Lys1615fs (NM_001351834.2); short protein forms K1615fs.
Identifiers: ClinVar variation 4856722 (VCV004856722.1).
Genomic context (GRCh38, chr11:108,294,994, plus strand): 5'-ACCATTTTCTCTCAGTAAGTGTTTATGATGCACTTCCATTGACAAGACTTGAAGGACTAA[AGGA>GGG]TCTTCGAAGACAACTGGAACTACATAAAGATCAGATGGTGGACATTATGAGAGCTTCTCA-3'

ClinVar aggregate classification (germline): Pathogenic (1 of 4 stars; one submission).

Conditions:
Familial cancer of breast. Also called: BREAST CANCER, FAMILIAL; Hereditary breast cancer; hereditary breast carcinoma. Identifiers: Orphanet 227535, MedGen C0346153, MONDO:0016419, OMIM 114480. Disease mechanism: loss of function.

Submission:

Myriad Genetics, Inc.
Classification: Pathogenic for Familial cancer of breast. Last evaluated: 2026-01-27. Review status: criteria provided, single submitter. Criteria: Myriad Autosomal Dominant, Autosomal Recessive and X-Linked Classification Criteria (2023). Collection method: clinical testing. Allele origin: unknown.
Comment: This variant is considered pathogenic. This variant creates a frameshift predicted to result in premature protein truncation.